The following is an entry in ClinVar:

ClinVar aggregate classification (germline): Uncertain significance. Review status: criteria provided, multiple submitters, no conflicts (2 of 4 stars). 2 submissions from 2 submitters: Uncertain significance (2). Last evaluated 2025-01-26.

Conditions:
Inborn genetic diseases. Identifiers: MedGen C0950123, MeSH D030342.

Submissions (2):

Ambry Genetics
Classification: Uncertain significance for Inborn genetic diseases. Last evaluated: 2025-01-26. Review status: criteria provided, single submitter. Criteria: Ambry Variant Classification Scheme 2023. Collection method: clinical testing. Allele origin: germline.

Women's Health and Genetics/Laboratory Corporation of America, LabCorp
Classification: Uncertain significance. Last evaluated: 2024-12-26. Review status: criteria provided, single submitter. Criteria: LabCorp Variant Classification Summary - May 2015. Collection method: clinical testing. Allele origin: germline.
Comment: Variant summary: CDK13 c.2743C>A (p.Gln915Lys) results in a conservative amino acid change located in the Serine/Threonine protein kinases, catalytic domain (IPR000719) of the encoded protein sequence. Three of five in-silico tools predict a damaging effect of the variant on protein function. The variant was absent in 251296 control chromosomes. The available data on variant occurrences in the general population are insufficient to allow any conclusion about variant significance. To our knowledge, no occurrence of c.2743C>A in individuals affected with Congenital Heart Defects, Dysmorphic Facial Features, And Intellectual Developmental Disorder and no experimental evidence demonstrating its impact on protein function have been reported. No submitters have cited clinical-significance assessments for this variant to ClinVar. Based on the evidence outlined above, the variant was classified as uncertain significance.

NM_003718.5(CDK13):c.2743C>A (p.Gln915Lys)

Gene: CDK13 (cyclin dependent kinase 13; plus strand). Cytogenetic location: 7p14.1.
Variant type: single nucleotide variant.
Coding change: c.2743C>A on transcript NM_003718.5 (MANE Select); coding-DNA position 2743, C replaced by A.
Protein change: p.Gln915Lys; replaces glutamine 915 with lysine.
Molecular consequence: missense variant.
Genome position (GRCh38, 1-based): chr7:40,063,063, C>A. VCF-style: chr7-40063063-C-A. GRCh37 (hg19) VCF-style: chr7-40102662-C-A.
Other names: c.2743C>A (NM_003718.4); c.2743C>A, p.Gln915Lys (NM_031267.4); short protein forms Q915K.
Identifiers: ClinVar variation 3768407 (VCV003768407.2).